The following is an entry in ClinVar:

NM_015158.5(KANK1):c.2486G>A (p.Arg829His)

Gene: KANK1 (KN motif and ankyrin repeat domains 1; plus strand). Cytogenetic location: 9p24.3.
Variant type: single nucleotide variant.
Coding change: c.2486G>A on transcript NM_015158.5 (MANE Select); coding-DNA position 2486, G replaced by A.
Protein change: p.Arg829His; replaces arginine 829 with histidine.
Molecular consequence: missense variant. On other transcripts: non-coding transcript variant (1).
Genome position (GRCh38, 1-based): chr9:713,252, G>A. VCF-style: chr9-713252-G-A. GRCh37 (hg19) VCF-style: chr9-713252-G-A.
Other names: c.2486G>A, p.Arg829His (NM_001256876.3, NM_001256877.3, NM_001354331.2 and 2 more transcripts); c.2012G>A, p.Arg671His (NM_001354333.2, NM_001354335.2, NM_001354336.2 and 9 more transcripts); short protein forms R829H, R671H.
Identifiers: ClinVar variation 218563 (VCV000218563.8), dbSNP rs201236090, ClinGen allele CA249263.

ClinVar aggregate classification (germline): Uncertain significance. Review status: criteria provided, multiple submitters, no conflicts (2 of 4 stars). 2 submissions from 2 submitters: Uncertain significance (2). Last evaluated 2025-06-23.

Allele frequency attached by ClinVar (database versions not stated): ESP Exome Variant Server 0.00008; gnomAD 0.00016; gnomAD exomes 0.00016; ExAC 0.00020; TOPMed 0.00007.
gnomAD v4.1: 172 of 1,610,378 alleles (0.011%); highest among the groups gnomAD compares: Middle Eastern, 0.066%; no homozygotes.

Submissions (2):

Labcorp Genetics (formerly Invitae), Labcorp
Classification: Uncertain significance. Last evaluated: 2025-06-23. Review status: criteria provided, single submitter. Criteria: Invitae Variant Classification Sherloc (09022015). Collection method: clinical testing. Allele origin: germline.
Comment: This sequence change replaces arginine, which is basic and polar, with histidine, which is basic and polar, at codon 829 of the KANK1 protein (p.Arg829His). This variant is present in population databases (rs201236090, gnomAD 0.04%). This variant has not been reported in the literature in individuals affected with KANK1-related conditions. ClinVar contains an entry for this variant (Variation ID: 218563). Invitae Evidence Modeling of protein sequence and biophysical properties (such as structural, functional, and spatial information, amino acid conservation, physicochemical variation, residue mobility, and thermodynamic stability) indicates that this missense variant is expected to disrupt KANK1 protein function with a positive predictive value of 80%. In summary, the available evidence is currently insufficient to determine the role of this variant in disease. Therefore, it has been classified as a Variant of Uncertain Significance.

Genomic Diagnostic Laboratory, Division of Genomic Diagnostics, Children's Hospital of Philadelphia
Classification: Uncertain significance. Last evaluated: 2015-07-17. Review status: criteria provided, single submitter. Criteria: DGD Variant Analysis Guidelines. Collection method: clinical testing. Allele origin: unknown.